The following is an entry in ClinVar:

ClinVar aggregate classification (germline): Likely benign (1 of 4 stars; one submission).

gnomAD v4.1: 36 of 1,239,676 alleles (0.0029%); highest among the groups gnomAD compares: Middle Eastern, 0.031%; no homozygotes.

Submission:

CeGaT Center for Human Genetics Tuebingen
Classification: Likely benign. Last evaluated: 2025-12-01. Review status: criteria provided, single submitter. Criteria: CeGaT Center For Human Genetics Tuebingen Variant Classification Criteria Version 2. Collection method: clinical testing. Allele origin: germline. Affected: yes. Observed: 2 variant alleles.
Comment: ATAD3A: BP4, BP7

NM_001170535.3(ATAD3A):c.108G>T (p.Gly36=)

Gene: ATAD3A (ATPase family AAA domain containing 3A; plus strand). Cytogenetic location: 1p36.33.
Variant type: single nucleotide variant.
Coding change: c.108G>T on transcript NM_001170535.3 (MANE Select); coding-DNA position 108, G replaced by T.
Protein change: p.Gly36=; no amino-acid change (glycine 36 retained).
Molecular consequence: synonymous variant.
Genome position (GRCh38, 1-based): chr1:1,512,376, G>T. VCF-style: chr1-1512376-G-T. GRCh37 (hg19) VCF-style: chr1-1447756-G-T.
Other names: c.108G>T, p.Gly36= (NM_018188.5).
Identifiers: ClinVar variation 4084150 (VCV004084150.8).
Genomic context (GRCh38, chr1:1,512,376, plus strand): 5'-GGGGCCGCCGCCGCCTTTGCCGCCCGCGCAGCCCGGGGCCGAGGGCGGCGGGGACCGCGG[G>T]TTGGGAGACCGGCCGGCGCCCAAGGACAAATGGAGCAACTTCGACCCCACCGGCCTGGAG-3'
Protein context (NP_001164006.1, residues 26-46): QPGAEGGGDR[Gly36=]LGDRPAPKDK